The following is an entry in ClinVar:

NM_002734.5(PRKAR1A):c.714C>A (p.Ser238Arg)

Gene: PRKAR1A (protein kinase cAMP-dependent type I regulatory subunit alpha; plus strand). Cytogenetic location: 17q24.2.
Variant type: single nucleotide variant.
Coding change: c.714C>A on transcript NM_002734.5 (MANE Select); coding-DNA position 714, C replaced by A.
Protein change: p.Ser238Arg; replaces serine 238 with arginine.
Molecular consequence: missense variant.
Genome position (GRCh38, 1-based): chr17:68,527,845, C>A. VCF-style: chr17-68527845-C-A. GRCh37 (hg19) VCF-style: chr17-66523986-C-A.
Other names: c.714C>A, p.Ser238Arg (NM_001276289.2, NM_001276290.1, NM_001278433.2 and 4 more transcripts); short protein forms S238R.
Identifiers: ClinVar variation 2562686 (VCV002562686.2), dbSNP rs2509430734, ClinGen allele CA400753427.

ClinVar aggregate classification (germline): Uncertain significance (1 of 4 stars; one submission).

Conditions:
Hereditary cancer-predisposing syndrome. Also called: Neoplastic Syndromes, Hereditary; Hereditary Cancer Syndrome; Hereditary neoplastic syndrome; Tumor predisposition. Identifiers: Orphanet 140162, MedGen C0027672, MeSH D009386, MONDO:0015356.

Submission:

Ambry Genetics
Classification: Uncertain significance for Hereditary cancer-predisposing syndrome. Last evaluated: 2023-05-21. Review status: criteria provided, single submitter. Criteria: Ambry Variant Classification Scheme 2023. Collection method: clinical testing. Allele origin: germline.
Comment: The p.S238R variant (also known as c.714C>A), located in coding exon 7 of the PRKAR1A gene, results from a C to A substitution at nucleotide position 714. The serine at codon 238 is replaced by arginine, an amino acid with dissimilar properties. This amino acid position is conserved. In addition, this alteration is predicted to be deleterious by in silico analysis. Since supporting evidence is limited at this time, the clinical significance of this alteration remains unclear.